The following is an entry in ClinVar:

NM_000061.3(BTK):c.1208C>T (p.Thr403Ile)

Gene: BTK (Bruton tyrosine kinase; minus strand). Cytogenetic location: Xq22.1.
Variant type: single nucleotide variant.
Coding change: c.1208C>T on transcript NM_000061.3 (MANE Select); coding-DNA position 1208, C replaced by T.
Protein change: p.Thr403Ile; replaces threonine 403 with isoleucine.
Molecular consequence: missense variant. On other transcripts: intron variant (1).
Genome position (GRCh38, 1-based): chrX:101,356,925, G>A on the plus strand (C>T on the coding strand, the complement: BTK is on the minus strand). VCF-style: chrX-101356925-G-A. GRCh37 (hg19) VCF-style: chrX-100611913-G-A.
Other names: c.1310C>T, p.Thr437Ile (NM_001287344.2); c.1038+1449C>T (NM_001287345.2); short protein forms T403I, T437I.
Identifiers: ClinVar variation 3657583 (VCV003657583.2).

ClinVar aggregate classification (germline): Uncertain significance (1 of 4 stars; one submission).

Conditions:
X-linked agammaglobulinemia with growth hormone deficiency (IGHD3). Also called: Isolated growth hormone deficiency type 3; Growth hormone deficiency with hypogammaglobulinemia; ISOLATED GROWTH HORMONE DEFICIENCY, TYPE III, WITH AGAMMAGLOBULINEMIA; AGAMMAGLOBULINEMIA AND ISOLATED GROWTH HORMONE DEFICIENCY, X-LINKED; FLEISHER SYNDROME; HYPOGAMMAGLOBULINEMIA AND ISOLATED GROWTH HORMONE DEFICIENCY, X-LINKED. Identifiers: Orphanet 231692, Orphanet 631, MedGen C0472813, MONDO:0010615, OMIM 307200.

gnomAD v4.1: 2 of 1,210,370 alleles (0.00017%); highest among the groups gnomAD compares: Admixed American, 0.0022%; no homozygotes.

Submission:

Labcorp Genetics (formerly Invitae), Labcorp
Classification: Uncertain significance for X-linked agammaglobulinemia with growth hormone deficiency. Last evaluated: 2024-06-23. Review status: criteria provided, single submitter. Criteria: Invitae Variant Classification Sherloc (09022015). Collection method: clinical testing. Allele origin: germline.
Comment: This sequence change replaces threonine, which is neutral and polar, with isoleucine, which is neutral and non-polar, at codon 403 of the BTK protein (p.Thr403Ile). This variant is not present in population databases (gnomAD no frequency). This variant has not been reported in the literature in individuals affected with BTK-related conditions. Advanced modeling of protein sequence and biophysical properties (such as structural, functional, and spatial information, amino acid conservation, physicochemical variation, residue mobility, and thermodynamic stability) performed at Invitae indicates that this missense variant is not expected to disrupt BTK protein function with a negative predictive value of 80%. In summary, the available evidence is currently insufficient to determine the role of this variant in disease. Therefore, it has been classified as a Variant of Uncertain Significance.